The following is an entry in ClinVar:

ClinVar aggregate classification (germline): Benign (1 of 4 stars; one submission).

gnomAD v4.1: 625 of 603,038 alleles (0.1%); highest among the groups gnomAD compares: South Asian, 1.2%; 11 homozygotes.

Submission:

Molecular Diagnostic Laboratory for Inherited Cardiovascular Disease, Montreal Heart Institute
Classification: Benign. Last evaluated: 2026-09-21. Review status: criteria provided, single submitter. Criteria: ACMG Guidelines, 2015. Collection method: clinical testing. Allele origin: germline. Affected: no.
Comment: BS1

NM_000218.3(KCNQ1):c.1733-259C>G

Gene: KCNQ1 (potassium voltage-gated channel subfamily Q member 1; plus strand). Cytogenetic location: 11p15.5.
Variant type: single nucleotide variant.
Coding change: c.1733-259C>G on transcript NM_000218.3 (MANE Select); 259 bases into the intron before coding-DNA position 1733, C replaced by G.
Molecular consequence: intron variant. On other transcripts: missense variant (1).
Genome position (GRCh38, 1-based): chr11:2,777,717, C>G. VCF-style: chr11-2777717-C-G. GRCh37 (hg19) VCF-style: chr11-2798947-C-G.
Other names: c.148C>G, p.Pro50Ala (NM_001406839.1); c.1463-259C>G (NM_001406837.1); c.1637-259C>G (NM_001406836.1); c.1193-259C>G (NM_001406838.1); c.1352-259C>G (NM_181798.2); short protein forms P50A.
Identifiers: ClinVar variation 5037878 (VCV005037878.1), dbSNP rs566681198.